The following is an entry in ClinVar:

NM_000057.4(BLM):c.4074G>T (p.Lys1358Asn)

Gene: BLM (BLM RecQ like helicase; plus strand). Cytogenetic location: 15q26.1.
Variant type: single nucleotide variant.
Coding change: c.4074G>T on transcript NM_000057.4 (MANE Select); coding-DNA position 4074, G replaced by T.
Protein change: p.Lys1358Asn; replaces lysine 1358 with asparagine.
Molecular consequence: missense variant.
Genome position (GRCh38, 1-based): chr15:90,811,404, G>T. VCF-style: chr15-90811404-G-T. GRCh37 (hg19) VCF-style: chr15-91354634-G-T.
Other names: c.4074G>T, p.Lys1358Asn (NM_001287246.2); c.3681G>T, p.Lys1227Asn (NM_001287247.2); c.2949G>T, p.Lys983Asn (NM_001287248.2); short protein forms K1358N, K983N, K1227N.
Identifiers: ClinVar variation 3991625 (VCV003991625.1).

ClinVar aggregate classification (germline): Uncertain significance (1 of 4 stars; one submission).

Conditions:
Hereditary cancer-predisposing syndrome. Also called: Tumor predisposition; Hereditary neoplastic syndrome; Neoplastic Syndromes, Hereditary; Hereditary Cancer Syndrome. Identifiers: Orphanet 140162, MedGen C0027672, MeSH D009386, MONDO:0015356.

Submission:

Ambry Genetics
Classification: Uncertain significance for Hereditary cancer-predisposing syndrome. Last evaluated: 2025-03-17. Review status: criteria provided, single submitter. Criteria: Ambry Variant Classification Scheme 2023. Collection method: clinical testing. Allele origin: germline.
Comment: The p.K1358N variant (also known as c.4074G>T), located in coding exon 20 of the BLM gene, results from a G to T substitution at nucleotide position 4074. The lysine at codon 1358 is replaced by asparagine, an amino acid with similar properties. This amino acid position is conserved. In addition, this alteration is predicted to be tolerated by in silico analysis. Based on the available evidence, the clinical significance of this variant remains unclear.